The following is an entry in ClinVar:

ClinVar aggregate classification (germline): Uncertain significance. Review status: criteria provided, single submitter (1 of 4 stars). 2 submissions from 2 submitters: Uncertain significance (1). 1 of the submissions does not count toward it. Last evaluated 2025-11-24.

Conditions:
Supravalvar aortic stenosis (SVAS). Also called: Supravalvar aortic stenosis, Eisenberg type. Identifiers: Orphanet 3193, MedGen C0003499, MONDO:0008504, OMIM 185500, HP:0004381.
ELN-related disorder.

Allele frequency attached by ClinVar (database versions not stated): gnomAD 0.00002 and 0.00003; TOPMed 0.00002; ExAC 0.00010; gnomAD exomes 0.00010.
gnomAD v4.1: 87 of 1,614,076 alleles (0.0054%); highest among the groups gnomAD compares: South Asian, 0.068%; 1 homozygote.

Submissions (2):

Labcorp Genetics (formerly Invitae), Labcorp
Classification: Uncertain significance for Supravalvar aortic stenosis. Last evaluated: 2025-11-24. Review status: criteria provided, single submitter. Criteria: Invitae Variant Classification Sherloc (09022015). Collection method: clinical testing. Allele origin: germline.
Comment: This sequence change replaces arginine, which is basic and polar, with tryptophan, which is neutral and slightly polar, at codon 619 of the ELN protein (p.Arg619Trp). This variant is present in population databases (rs782679593, gnomAD 0.06%), and has an allele count higher than expected for a pathogenic variant. This variant has not been reported in the literature in individuals affected with ELN-related conditions. ClinVar contains an entry for this variant (Variation ID: 1414514). Experimental studies and prediction algorithms are not available or were not evaluated, and the functional significance of this variant is currently unknown. In summary, the available evidence is currently insufficient to determine the role of this variant in disease. Therefore, it has been classified as a Variant of Uncertain Significance.

PreventionGenetics, part of Exact Sciences
Classification: Likely benign for ELN-related condition. Last evaluated: 2022-05-25. Review status: no assertion criteria provided. Collection method: clinical testing. Allele origin: germline. Not counted in ClinVar's aggregate classification.
Comment: This variant is classified as likely benign based on ACMG/AMP sequence variant interpretation guidelines (Richards et al. 2015 PMID: 25741868, with internal and published modifications).

NM_000501.4(ELN):c.1747+21C>T

Genes: ELN-AS1 (ELN antisense RNA 1; minus strand), ELN (elastin; plus strand). Cytogenetic location: 7q11.23.
Variant type: single nucleotide variant.
Coding change: c.1747+21C>T on transcript NM_000501.4 (MANE Select); 21 bases into the intron after coding-DNA position 1747, C replaced by T.
Molecular consequence: intron variant. On other transcripts: missense variant (1).
Genome position (GRCh38, 1-based): chr7:74,060,522, C>T. VCF-style: chr7-74060522-C-T. GRCh37 (hg19) VCF-style: chr7-73474852-C-T.
Other names: c.1855C>T, p.Arg619Trp (NM_001278939.2); c.1762+21C>T (NM_001081754.3); c.1705+21C>T (NM_001081753.3); c.1765+21C>T (NM_001278915.2); c.1747+21C>T (NM_001278912.2); c.1690+21C>T (NM_001081755.3); c.1603+21C>T (NM_001278916.2); c.1504+21C>T (NM_001278913.2); and 5 more; short protein forms R619W.
Identifiers: ClinVar variation 1414514 (VCV001414514.8), dbSNP rs782679593, ClinGen allele CA4293173.